The following is an entry in ClinVar:

NM_014795.4(ZEB2):c.3009A>T (p.Leu1003Phe)

Gene: ZEB2 (zinc finger E-box binding homeobox 2; minus strand). Cytogenetic location: 2q22.3.
Variant type: single nucleotide variant.
Coding change: c.3009A>T on transcript NM_014795.4 (MANE Select); coding-DNA position 3009, A replaced by T.
Protein change: p.Leu1003Phe; replaces leucine 1003 with phenylalanine.
Molecular consequence: missense variant.
Genome position (GRCh38, 1-based): chr2:144,396,470, T>A on the plus strand (A>T on the coding strand, the complement: ZEB2 is on the minus strand). VCF-style: chr2-144396470-T-A. GRCh37 (hg19) VCF-style: chr2-145154037-T-A.
Other names: c.2937A>T, p.Leu979Phe (NM_001171653.2); short protein forms L1003F, L979F.
Identifiers: ClinVar variation 3369947 (VCV003369947.1).
Genomic context (GRCh38, chr2:144,396,470, plus strand): 5'-ACCTGTGTGTTCGTATTTATGTCGCAGAAGGGAACTGCTTTTCTGGAATGTCTTGTCACA[T>A]AAGTCACATGCATACATGCCACTCTCTGTCTTCTTGATCTTTTTGCGAGACAGACAGGAG-3'
Protein context (NP_055610.1, residues 993-1013): KTESGMYACD[Leu1003Phe]CDKTFQKSSS

ClinVar aggregate classification (germline): Uncertain significance (1 of 4 stars; one submission).

Submission:

GeneDx
Classification: Uncertain significance. Last evaluated: 2023-12-16. Review status: criteria provided, single submitter. Criteria: GeneDx Variant Classification Process June 2021. Collection method: clinical testing. Allele origin: germline. Affected: yes.
Comment: Not observed at significant frequency in large population cohorts (gnomAD); In silico analysis supports that this missense variant has a deleterious effect on protein structure/function; Has not been previously published as pathogenic or benign to our knowledge; This variant is associated with the following publications: (PMID: 16053902)